The following is an entry in ClinVar:

ClinVar aggregate classification (germline): Uncertain significance (1 of 4 stars; one submission).

Conditions:
Hereditary breast ovarian cancer syndrome. Also called: Hereditary breast and ovarian cancer syndrome (HBOC); Breast and ovarian cancer; BRCA1- and BRCA2-Associated Hereditary Breast and Ovarian Cancer; Hereditary breast and ovarian cancer syndrome; Hereditary breast and ovarian cancer; Hereditary breast and/or ovarian cancer syndrome. Identifiers: Orphanet 145, MedGen C0677776, MeSH D061325, MONDO:0003582. Disease mechanism: loss of function.

Submission:

Labcorp Genetics (formerly Invitae), Labcorp
Classification: Uncertain significance for Hereditary breast ovarian cancer syndrome. Last evaluated: 2023-03-10. Review status: criteria provided, single submitter. Criteria: Invitae Variant Classification Sherloc (09022015). Collection method: clinical testing. Allele origin: germline.
Comment: This variant has not been reported in the literature in individuals affected with BRCA2-related conditions. This variant is not present in population databases (gnomAD no frequency). This variant occurs in a non-coding region of the BRCA2 gene. It does not change the encoded amino acid sequence of the BRCA2 protein. In summary, the available evidence is currently insufficient to determine the role of this variant in disease. Therefore, it has been classified as a Variant of Uncertain Significance. Experimental studies and prediction algorithms are not available or were not evaluated, and the functional significance of this variant is currently unknown.

NM_000059.4(BRCA2):c.-36_-32dup

Gene: BRCA2 (BRCA2 DNA repair associated; plus strand). Cytogenetic location: 13q13.1.
Variant type: Duplication.
Coding change: c.-36_-32dup on transcript NM_000059.4 (MANE Select); 36 bases upstream of the start codon through 32 bases upstream of the start codon, 5 bases duplicated (TATTT; older notation c.-36_-32dupTATTT).
Molecular consequence: 5 prime UTR variant. On other transcripts: non-coding transcript variant (1), intron variant (1).
Genome position (GRCh38, 1-based): chr13:32,316,425-32,316,429, TATTT duplicated; duplicating any 5 consecutive bases within chr13:32,316,424-32,316,429 gives the same sequence; the c. name uses the placement nearest the transcript's 3' end. VCF-style (leftmost placement, unchanged base first): chr13-32316423-C-CTTATT. GRCh37 (hg19) VCF-style: chr13-32890560-C-CTTATT.
Other names: c.-36_-32dup (NM_001406719.1, NM_001406720.1, NM_001406721.1); c.-303+758_-303+762dup (NM_001406722.1).
Identifiers: ClinVar variation 2843870 (VCV002843870.3), dbSNP rs2548509593, ClinGen allele CA2739277493.